The following is an entry in ClinVar:

NM_206933.4(USH2A):c.11055G>A (p.Trp3685Ter)

Gene: USH2A (usherin; minus strand). Cytogenetic location: 1q41.
Variant type: single nucleotide variant.
Coding change: c.11055G>A on transcript NM_206933.4 (MANE Select); coding-DNA position 11055, G replaced by A.
Protein change: p.Trp3685Ter; replaces tryptophan 3685 with a stop codon.
Molecular consequence: nonsense.
Genome position (GRCh38, 1-based): chr1:215,759,836, C>T on the plus strand (G>A on the coding strand, the complement: USH2A is on the minus strand). VCF-style: chr1-215759836-C-T. GRCh37 (hg19) VCF-style: chr1-215933178-C-T.
Other names: c.11055G>A (NM_206933.3); short protein forms W3685*.
Identifiers: ClinVar variation 3240697 (VCV003240697.3), dbSNP rs779662442.
Genomic context (GRCh38, chr1:215,759,836, plus strand): 5'-TGGCAGACTCCAATATAATTCCACTGTTGTAGAATTGATGATAATGTGTCGAGGTGTCAC[C>T]CAAACTCCTGGCAAGAATAACGCAATGAGGTTTTATTGTTAGGAGAAAATAAACAGTGTA-3'

ClinVar aggregate classification (germline): Pathogenic/Likely pathogenic. Review status: criteria provided, multiple submitters, no conflicts (2 of 4 stars). 3 submissions from 3 submitters: Pathogenic (1); Likely pathogenic (2). Last evaluated 2025-08-25.

Conditions:
Retinitis pigmentosa 39 (RP39). Identifiers: Orphanet 791, MedGen C3151138, MONDO:0013436, OMIM 613809.

Allele frequency attached by ClinVar (database versions not stated): ExAC 0.00001.
gnomAD v4.1: 2 of 1,613,840 alleles (0.00012%); highest among the groups gnomAD compares: African/African-American, 0.0013%; no homozygotes.

Submissions (3):

Labcorp Genetics (formerly Invitae), Labcorp
Classification: Pathogenic. Last evaluated: 2025-08-25. Review status: criteria provided, single submitter. Criteria: Invitae Variant Classification Sherloc (09022015). Collection method: clinical testing. Allele origin: germline.
Comment: This sequence change creates a premature translational stop signal (p.Trp3685*) in the USH2A gene. It is expected to result in an absent or disrupted protein product. Loss-of-function variants in USH2A are known to be pathogenic (PMID: 10729113, 10909849, 20507924, 25649381). This variant is present in population databases (rs779662442, gnomAD 0.007%). This variant has not been reported in the literature in individuals affected with USH2A-related conditions. ClinVar contains an entry for this variant (Variation ID: 3240697). For these reasons, this variant has been classified as Pathogenic.

Revvity Omics, Revvity
Classification: Likely pathogenic. Last evaluated: 2025-02-26. Review status: criteria provided, single submitter. Criteria: ACMG Guidelines, 2015. Collection method: clinical testing. Allele origin: germline.

Baylor Genetics
Classification: Likely pathogenic for Retinitis pigmentosa 39. Last evaluated: 2024-03-05. Review status: criteria provided, single submitter. Criteria: ACMG Guidelines, 2015. Collection method: clinical testing. Allele origin: unknown.

Literature cited by the submitters: PubMed 10729113 (cited by Labcorp Genetics (formerly Invitae), Labcorp); PubMed 10909849 (cited by Labcorp Genetics (formerly Invitae), Labcorp); PubMed 20507924 (cited by Labcorp Genetics (formerly Invitae), Labcorp); PubMed 25649381 (cited by Labcorp Genetics (formerly Invitae), Labcorp).